The following is an entry in ClinVar:

NM_000136.3(FANCC):c.-4C>T

Gene: FANCC (FA complementation group C; minus strand). Cytogenetic location: 9q22.32.
Variant type: single nucleotide variant.
Coding change: c.-4C>T on transcript NM_000136.3 (MANE Select); 4 bases upstream of the start codon, C replaced by T.
Molecular consequence: 5 prime UTR variant.
Genome position (GRCh38, 1-based): chr9:95,249,295, G>A on the plus strand (C>T on the coding strand, the complement: FANCC is on the minus strand). VCF-style: chr9-95249295-G-A. GRCh37 (hg19) VCF-style: chr9-98011577-G-A.
Other names: c.-4C>T (NM_001243743.2, NM_001243744.2).
Identifiers: ClinVar variation 1744696 (VCV001744696.4), dbSNP rs2542864618, ClinGen allele CA2580080714.
Genomic context (GRCh38, chr9:95,249,295, plus strand): 5'-AAGCTTCTGCATCCAAAACTGATAATCACAAGAAAGATCTACTGAATCTTGAGCCATCTT[G>A]GAAAAAGCGAAAAGGTGATGTCCCTTCACAGCAGCCTGTCCAGCACTGAAGGAAATGGTC-3'

ClinVar aggregate classification (germline): Uncertain significance. Review status: criteria provided, multiple submitters, no conflicts (2 of 4 stars). 2 submissions from 2 submitters: Uncertain significance (2). Last evaluated 2024-10-03.

Conditions:
Hereditary cancer-predisposing syndrome. Also called: Hereditary Cancer Syndrome; Neoplastic Syndromes, Hereditary; Tumor predisposition; Hereditary neoplastic syndrome. Identifiers: Orphanet 140162, MedGen C0027672, MeSH D009386, MONDO:0015356.
Fanconi anemia (FA). Also called: Fanconi's anemia. Identifiers: Orphanet 84, MedGen C0015625, MeSH D005199, MONDO:0019391.

Submissions (2):

Labcorp Genetics (formerly Invitae), Labcorp
Classification: Uncertain significance for Fanconi anemia. Last evaluated: 2024-10-03. Review status: criteria provided, single submitter. Criteria: Invitae Variant Classification Sherloc (09022015). Collection method: clinical testing. Allele origin: germline.
Comment: This variant occurs in a non-coding region of the FANCC gene. It does not change the encoded amino acid sequence of the FANCC protein. This variant is not present in population databases (gnomAD no frequency). This variant has not been reported in the literature in individuals affected with FANCC-related conditions. ClinVar contains an entry for this variant (Variation ID: 1744696). Experimental studies and prediction algorithms are not available or were not evaluated, and the functional significance of this variant is currently unknown. In summary, the available evidence is currently insufficient to determine the role of this variant in disease. Therefore, it has been classified as a Variant of Uncertain Significance.

Ambry Genetics
Classification: Uncertain significance for Hereditary cancer-predisposing syndrome. Last evaluated: 2021-09-29. Review status: criteria provided, single submitter. Criteria: Ambry Variant Classification Scheme 2023. Collection method: clinical testing. Allele origin: germline.
Comment: The c.-4C>T variant is located in the 5' untranslated region (5&rsquo; UTR) of the FANCC gene. This variant results from a C to T substitution 4 bases upstream from the first translated codon. This nucleotide position is poorly conserved in available vertebrate species. Since supporting evidence is limited at this time, the clinical significance of this alteration remains unclear.